The following is an entry in ClinVar:

ClinVar aggregate classification (germline): Uncertain significance (1 of 4 stars; one submission).

Conditions:
Nephronophthisis 18 (NPHP18). Identifiers: Orphanet 655, MedGen C3890591, MONDO:0014374, OMIM 615862.

Submission:

Labcorp Genetics (formerly Invitae), Labcorp
Classification: Uncertain significance for Nephronophthisis 18. Last evaluated: 2022-04-21. Review status: criteria provided, single submitter. Criteria: Invitae Variant Classification Sherloc (09022015). Collection method: clinical testing. Allele origin: germline.
Comment: In summary, the available evidence is currently insufficient to determine the role of this variant in disease. Therefore, it has been classified as a Variant of Uncertain Significance. Algorithms developed to predict the effect of missense changes on protein structure and function are either unavailable or do not agree on the potential impact of this missense change (SIFT: "Not Available"; PolyPhen-2: "Benign"; Align-GVGD: "Not Available"). This variant has not been reported in the literature in individuals affected with CEP83-related conditions. This variant is not present in population databases (gnomAD no frequency). This sequence change replaces lysine, which is basic and polar, with glutamine, which is neutral and polar, at codon 472 of the CEP83 protein (p.Lys472Gln).

NM_016122.3(CEP83):c.1414A>C (p.Lys472Gln)

Gene: CEP83 (centrosomal protein 83; minus strand). Cytogenetic location: 12q22.
Variant type: single nucleotide variant.
Coding change: c.1414A>C on transcript NM_016122.3 (MANE Select); coding-DNA position 1414, A replaced by C.
Protein change: p.Lys472Gln; replaces lysine 472 with glutamine.
Molecular consequence: missense variant. On other transcripts: non-coding transcript variant (2).
Genome position (GRCh38, 1-based): chr12:94,335,594, T>G on the plus strand (A>C on the coding strand, the complement: CEP83 is on the minus strand). VCF-style: chr12-94335594-T-G. GRCh37 (hg19) VCF-style: chr12-94729370-T-G.
Other names: c.1414A>C, p.Lys472Gln (NM_001042399.2, NM_001346457.2, NM_001368037.1 and 1 more transcripts); c.1102A>C, p.Lys368Gln (NM_001346458.2, NM_001346459.2, NM_001368039.1 and 1 more transcripts); c.1189A>C, p.Lys397Gln (NM_001368041.1); short protein forms K368Q, K397Q, K472Q.
Identifiers: ClinVar variation 2088071 (VCV002088071.4), dbSNP rs2541338546, ClinGen allele CA386144928.
Genomic context (GRCh38, chr12:94,335,594, plus strand): 5'-TAAATTTAAAGAAGCACTTGAAAAAATAAAAGGAAAATCTTCGCTAAAATCATACCTGTT[T>G]TAGGTCAGAATTTTCATTTTTTTCCTTCTCTGCATTTTCAATAGTCACAATTTGTTGCTG-3'
Protein context (NP_057206.2, residues 462-482): EKEKNENSDL[Lys472Gln]QQISSLQIQV